The following is an entry in ClinVar:

ClinVar aggregate classification (germline): Likely pathogenic (1 of 4 stars; one submission).

Conditions:
Early-infantile DEE. Also called: Ohtahara syndrome; Early infantile epileptic encephalopathy with suppression bursts; Early infantile epileptic encephalopathy. Identifiers: Orphanet 1934, MedGen C0393706, MONDO:0800491.

Submission:

Labcorp Genetics (formerly Invitae), Labcorp
Classification: Likely pathogenic for Early-infantile DEE. Last evaluated: 2022-07-12. Review status: criteria provided, single submitter. Criteria: Invitae Variant Classification Sherloc (09022015). Collection method: clinical testing. Allele origin: germline.
Comment: This sequence change replaces glutamine, which is neutral and polar, with leucine, which is neutral and non-polar, at codon 369 of the SCN8A protein (p.Gln369Leu). This variant is not present in population databases (gnomAD no frequency). This missense change has been observed in individual(s) with clinical features of early infantile epileptic encephalopathy (Invitae). In at least one individual the variant was observed to be de novo. ClinVar contains an entry for this variant (Variation ID: 844258). Algorithms developed to predict the effect of missense changes on protein structure and function are either unavailable or do not agree on the potential impact of this missense change (SIFT: "Deleterious"; PolyPhen-2: "Probably Damaging"; Align-GVGD: "Class C0"). In summary, the currently available evidence indicates that the variant is pathogenic, but additional data are needed to prove that conclusively. Therefore, this variant has been classified as Likely Pathogenic.

NM_001330260.2(SCN8A):c.1106A>T (p.Gln369Leu)

Gene: SCN8A (sodium voltage-gated channel alpha subunit 8; plus strand). Cytogenetic location: 12q13.13.
Variant type: single nucleotide variant.
Coding change: c.1106A>T on transcript NM_001330260.2 (MANE Select); coding-DNA position 1106, A replaced by T.
Protein change: p.Gln369Leu; replaces glutamine 369 with leucine.
Molecular consequence: missense variant.
Genome position (GRCh38, 1-based): chr12:51,702,886, A>T. VCF-style: chr12-51702886-A-T. GRCh37 (hg19) VCF-style: chr12-52096670-A-T.
Other names: c.1106A>T, p.Gln369Leu (NM_001177984.3, NM_001369788.1, NM_014191.4); short protein forms Q369L.
Identifiers: ClinVar variation 844258 (VCV000844258.10), dbSNP rs1941714576, ClinGen allele CA385227296.